The following is an entry in ClinVar:

NM_001128840.3(CACNA1D):c.4044+5G>A

Gene: CACNA1D (calcium voltage-gated channel subunit alpha1 D; plus strand). Cytogenetic location: 3p21.1.
Variant type: single nucleotide variant.
Coding change: c.4044+5G>A on transcript NM_001128840.3 (MANE Select); 5 bases into the intron after coding-DNA position 4044, G replaced by A.
Molecular consequence: intron variant.
Genome position (GRCh38, 1-based): chr3:53,770,557, G>A. VCF-style: chr3-53770557-G-A. GRCh37 (hg19) VCF-style: chr3-53804584-G-A.
Other names: c.3999+5G>A (NM_001128839.3); c.4104+5G>A (NM_000720.4).
Identifiers: ClinVar variation 2124393 (VCV002124393.4), dbSNP rs2474191412, ClinGen allele CA2580070274.

ClinVar aggregate classification (germline): Uncertain significance (1 of 4 stars; one submission).

Submission:

Labcorp Genetics (formerly Invitae), Labcorp
Classification: Uncertain significance. Last evaluated: 2025-06-12. Review status: criteria provided, single submitter. Criteria: Invitae Variant Classification Sherloc (09022015). Collection method: clinical testing. Allele origin: germline.
Comment: This sequence change falls in intron 33 of the CACNA1D gene. It does not directly change the encoded amino acid sequence of the CACNA1D protein. It affects a nucleotide within the consensus splice site. This variant is not present in population databases (gnomAD no frequency). This variant has not been reported in the literature in individuals affected with CACNA1D-related conditions. ClinVar contains an entry for this variant (Variation ID: 2124393). Variants that disrupt the consensus splice site are a relatively common cause of aberrant splicing (PMID: 17576681, 9536098). Algorithms developed to predict the effect of sequence changes on RNA splicing suggest that this variant may disrupt the consensus splice site. In summary, the available evidence is currently insufficient to determine the role of this variant in disease. Therefore, it has been classified as a Variant of Uncertain Significance.

Literature cited by the submitters: PubMed 17576681; PubMed 9536098.